The following is an entry in ClinVar:

NM_000286.3(PEX12):c.856G>A (p.Val286Ile)

Gene: PEX12 (peroxisomal biogenesis factor 12; minus strand). Cytogenetic location: 17q12.
Variant type: single nucleotide variant.
Coding change: c.856G>A on transcript NM_000286.3 (MANE Select); coding-DNA position 856, G replaced by A.
Protein change: p.Val286Ile; replaces valine 286 with isoleucine.
Molecular consequence: missense variant.
Genome position (GRCh38, 1-based): chr17:35,576,006, C>T on the plus strand (G>A on the coding strand, the complement: PEX12 is on the minus strand). VCF-style: chr17-35576006-C-T. GRCh37 (hg19) VCF-style: chr17-33903025-C-T.
Other names: short protein forms V286I.
Identifiers: ClinVar variation 890226 (VCV000890226.8), dbSNP rs766182813, ClinGen allele CA8504833.
Genomic context (GRCh38, chr17:35,576,006, plus strand): 5'-GTGGGCACACAGTCTTCATTTTGGGTAAGAGGGGAGAATCAGAGTTATAGTCTAGGTGTA[C>T]AGGTGGTGGTGGAGTAGGCAGGGCAGTCAATGACTTGATGGTTTCTTGATTTTCAGATGA-3'
Protein context (NP_000277.1, residues 276-296): LTALPTPPPP[Val286Ile]HLDYNSDSPL

ClinVar aggregate classification (germline): Uncertain significance. Review status: criteria provided, multiple submitters, no conflicts (2 of 4 stars). 3 submissions from 3 submitters: Uncertain significance (3). Last evaluated 2022-07-26.

Conditions:
Peroxisome biogenesis disorder 3A (Zellweger). Also called: PEROXISOMAL BIOGENESIS DISORDER 3A (ZELLWEGER); Peroxisome biogenesis disorder 3A. Identifiers: Orphanet 912, MedGen C3553929, MONDO:0013927, OMIM 614859.
Peroxisome biogenesis disorder type 3B. Identifiers: Orphanet 44, Orphanet 772, MedGen C3550693, MONDO:0009959, OMIM 266510.

Allele frequency attached by ClinVar (database versions not stated): gnomAD exomes 0.00001; TOPMed 0.00001; gnomAD 0.00001; ExAC 0.00001.

Submissions (3):

Labcorp Genetics (formerly Invitae), Labcorp
Classification: Uncertain significance for Peroxisome biogenesis disorder 3A (Zellweger). Last evaluated: 2022-07-26. Review status: criteria provided, single submitter. Criteria: Invitae Variant Classification Sherloc (09022015). Collection method: clinical testing. Allele origin: germline.
Comment: This sequence change replaces valine, which is neutral and non-polar, with isoleucine, which is neutral and non-polar, at codon 286 of the PEX12 protein (p.Val286Ile). This variant is present in population databases (rs766182813, gnomAD 0.003%). This variant has not been reported in the literature in individuals affected with PEX12-related conditions. ClinVar contains an entry for this variant (Variation ID: 890226). Algorithms developed to predict the effect of missense changes on protein structure and function output the following: SIFT: "Tolerated"; PolyPhen-2: "Benign"; Align-GVGD: "Class C0". The isoleucine amino acid residue is found in multiple mammalian species, which suggests that this missense change does not adversely affect protein function. In summary, the available evidence is currently insufficient to determine the role of this variant in disease. Therefore, it has been classified as a Variant of Uncertain Significance.

Fulgent Genetics
Classification: Uncertain significance for Peroxisome biogenesis disorder type 3B; Peroxisome biogenesis disorder 3A (Zellweger). Last evaluated: 2021-08-12. Review status: criteria provided, single submitter. Criteria: ACMG Guidelines, 2015. Collection method: clinical testing. Allele origin: unknown.

Illumina Laboratory Services, Illumina
Classification: Uncertain significance for Peroxisome biogenesis disorder 3A (Zellweger). Last evaluated: 2018-01-13. Review status: criteria provided, single submitter. Criteria: ICSL Variant Classification Criteria 13 December 2019. Collection method: clinical testing. Allele origin: germline.